The following is an entry in ClinVar:

NM_007294.4(BRCA1):c.221A>T (p.Gln74Leu)

Gene: BRCA1 (BRCA1 DNA repair associated; minus strand). Cytogenetic location: 17q21.31.
Variant type: single nucleotide variant.
Coding change: c.221A>T on transcript NM_007294.4 (MANE Select); coding-DNA position 221, A replaced by T.
Protein change: p.Gln74Leu; replaces glutamine 74 with leucine.
Molecular consequence: missense variant. On other transcripts: non-coding transcript variant (1).
Genome position (GRCh38, 1-based): chr17:43,104,948, T>A on the plus strand (A>T on the coding strand, the complement: BRCA1 is on the minus strand). VCF-style: chr17-43104948-T-A. GRCh37 (hg19) VCF-style: chr17-41256965-T-A.
Other names: c.11A>T, p.Gln4Leu (NM_001407956.1, NM_001407957.1, NM_001407958.1 and 58 more transcripts); c.-161A>T (NM_001407959.1, NM_001407960.1, NM_001407962.1 and 4 more transcripts); c.80A>T, p.Gln27Leu (NM_001407964.1, NM_001408410.1, NM_001408452.1 and 99 more transcripts); c.221A>T, p.Gln74Leu (NM_001407968.1, NM_001407969.1, NM_001407970.1 and 168 more transcripts); c.143A>T, p.Gln48Leu (NM_001408409.1, NM_001408411.1, NM_001408412.1 and 21 more transcripts); c.89A>T, p.Gln30Leu (NM_001408451.1); short protein forms Q27L, Q74L, Q48L, Q4L, Q30L.
Identifiers: ClinVar variation 865576 (VCV000865576.3), dbSNP rs2054696806, ClinGen allele CA10601720.
Genomic context (GRCh38, chr17:43,104,948, plus strand): 5'-TGAAAAGCACAAATGATTTTCAATAGCTCTTCAACAAGTTGACTAAATCTCGTACTTTCT[T>A]GTAGGCTCCTGAAATTAAATTGTTTGAGAAACACACTCAGCAAGTGATTATCAACCTTTT-3'
Protein context (NP_009225.1, residues 64-84): CKNDITKRSL[Gln74Leu]ESTRFSQLVE

Conditions:
Breast-ovarian cancer, familial, susceptibility to, 1 (BROVCA1). Also called: BRCA1 Hereditary Breast and Ovarian Cancer; OVARIAN CANCER, SUSCEPTIBILITY TO. Identifiers: Orphanet 145, MedGen C2676676, MONDO:0011450, OMIM 604370. Disease mechanism: loss of function.

Submission:

Brotman Baty Institute, University of Washington
No classification provided (evidence only). Condition: Breast-ovarian cancer, familial 1. Review status: no classification provided. Collection method: in vitro. Allele origin: not applicable. Functional consequence: function_uncertain_variant.
ClinVar note: "not provided" was previously submitted as the classification for the variant. However, the classification appeared to be based only on an observation of functional data so it was converted to no classification on 2025-07-30.